The following is an entry in ClinVar:

ClinVar aggregate classification (germline): Uncertain significance. Review status: criteria provided, multiple submitters, no conflicts (2 of 4 stars). 2 submissions from 2 submitters: Uncertain significance (2). Last evaluated 2023-10-18.

Conditions:
Succinate-semialdehyde dehydrogenase deficiency (SSADHD). Also called: Succinic Semialdehyde Dehydrogenase Deficiency; 4-HYDROXYBUTYRIC ACIDURIA; GABA METABOLIC DEFECT; SSADH DEFICIENCY. Identifiers: Orphanet 22, MedGen C0268631, MONDO:0010083, OMIM 271980.

Allele frequency attached by ClinVar (database versions not stated): TOPMed below 0.00001; gnomAD 0.00001; ExAC 0.00002.

Submissions (2):

Labcorp Genetics (formerly Invitae), Labcorp
Classification: Uncertain significance for Succinate-semialdehyde dehydrogenase deficiency. Last evaluated: 2023-10-18. Review status: criteria provided, single submitter. Criteria: Invitae Variant Classification Sherloc (09022015). Collection method: clinical testing. Allele origin: germline.
Comment: This sequence change replaces alanine, which is neutral and non-polar, with serine, which is neutral and polar, at codon 459 of the ALDH5A1 protein (p.Ala459Ser). This variant is present in population databases (rs749276622, gnomAD 0.03%). This variant has not been reported in the literature in individuals affected with ALDH5A1-related conditions. ClinVar contains an entry for this variant (Variation ID: 356141). Advanced modeling of protein sequence and biophysical properties (such as structural, functional, and spatial information, amino acid conservation, physicochemical variation, residue mobility, and thermodynamic stability) performed at Invitae indicates that this missense variant is not expected to disrupt ALDH5A1 protein function. In summary, the available evidence is currently insufficient to determine the role of this variant in disease. Therefore, it has been classified as a Variant of Uncertain Significance.

Illumina Laboratory Services, Illumina
Classification: Uncertain significance for Succinate-semialdehyde dehydrogenase deficiency. Last evaluated: 2018-01-12. Review status: criteria provided, single submitter. Criteria: ICSL Variant Classification Criteria 13 December 2019. Collection method: clinical testing. Allele origin: germline.

NM_001080.3(ALDH5A1):c.1375G>T (p.Ala459Ser)

Gene: ALDH5A1 (aldehyde dehydrogenase 5 family member A1; plus strand). Cytogenetic location: 6p22.3.
Variant type: single nucleotide variant.
Coding change: c.1375G>T on transcript NM_001080.3 (MANE Select); coding-DNA position 1375, G replaced by T.
Protein change: p.Ala459Ser; replaces alanine 459 with serine.
Molecular consequence: missense variant.
Genome position (GRCh38, 1-based): chr6:24,532,150, G>T. VCF-style: chr6-24532150-G-T. GRCh37 (hg19) VCF-style: chr6-24532378-G-T.
Other names: c.1231G>T, p.Ala411Ser (NM_001368954.1); c.1414G>T, p.Ala472Ser (NM_170740.1); short protein forms A459S, A472S, A411S.
Identifiers: ClinVar variation 356141 (VCV000356141.11), dbSNP rs749276622, ClinGen allele CA3656931.